The following is an entry in ClinVar:

NM_007294.4(BRCA1):c.5490del (p.Pro1831fs)

Gene: BRCA1 (BRCA1 DNA repair associated; minus strand). Cytogenetic location: 17q21.31.
Variant type: Deletion.
Coding change: c.5490del on transcript NM_007294.4 (MANE Select); coding-DNA position 5490, one base deleted (A; older notation c.5490delA).
Protein change: p.Pro1831fs; shifts the reading frame from proline 1831.
Molecular consequence: frameshift variant. On other transcripts: 3 prime UTR variant (1), non-coding transcript variant (1).
Genome position (GRCh38, 1-based): chr17:43,045,780, T deleted on the plus strand (A on the coding strand, the reverse complement: BRCA1 is on the minus strand). VCF-style (leftmost placement, unchanged base first): chr17-43045779-GT-G. GRCh37 (hg19) VCF-style: chr17-41197796-GT-G.
Other names: 5609delA; c.5277delA, p.Pro1760Leufs (NM_001407571.1, NM_001407894.1, NM_001407895.1 and 12 more transcripts); c.5556delA, p.Pro1853Leufs (NM_001407581.1, NM_001407582.1); c.5553delA, p.Pro1852Leufs (NM_001407583.1, NM_001407585.1, NM_001407587.1); c.5550delA, p.Pro1851Leufs (NM_001407590.1, NM_001407591.1); c.5490delA, p.Pro1831Leufs (NM_001407593.1, NM_001407594.1, NM_001407596.1 and 5 more transcripts); c.5487delA, p.Pro1830Leufs (NM_001407610.1, NM_001407611.1, NM_001407612.1 and 14 more transcripts); c.5484delA, p.Pro1829Leufs (NM_001407627.1, NM_001407628.1, NM_001407629.1 and 13 more transcripts); and 78 more; short protein forms P1831fs, P727fs, P1784fs, P1852fs.
Identifiers: ClinVar variation 125861 (VCV000125861.14), dbSNP rs80357976, ClinGen allele CA003661.
Genomic context (GRCh38, chr17:43,045,779, plus strand): 5'-CCAGCTCCTGGCACTGGTAGAGTGCTACACTGTCCAACACCCACTCTCGGGTCACCACAG[GT>G]GCCTCACACATCTGCCCAATTGCTGGAGACAGAGAACACAAGCAGAGATTAGTGTCAATT-3'

ClinVar aggregate classification (germline): Pathogenic. Review status: reviewed by expert panel (3 of 4 stars). 5 submissions from 5 submitters: Pathogenic (1). 4 of the submissions do not count toward it. Last evaluated 2016-09-08.

Conditions:
Hereditary cancer-predisposing syndrome. Also called: Tumor predisposition; Hereditary neoplastic syndrome; Hereditary Cancer Syndrome; Neoplastic Syndromes, Hereditary. Identifiers: Orphanet 140162, MedGen C0027672, MeSH D009386, MONDO:0015356.
Hereditary breast ovarian cancer syndrome. Also called: Hereditary breast and/or ovarian cancer syndrome; Breast and ovarian cancer; Hereditary breast and ovarian cancer syndrome; Hereditary breast and ovarian cancer; Hereditary breast and ovarian cancer syndrome (HBOC); BRCA1- and BRCA2-Associated Hereditary Breast and Ovarian Cancer. Identifiers: Orphanet 145, MedGen C0677776, MeSH D061325, MONDO:0003582. Disease mechanism: loss of function.
Breast-ovarian cancer, familial, susceptibility to, 1 (BROVCA1). Also called: BRCA1 Hereditary Breast and Ovarian Cancer; OVARIAN CANCER, SUSCEPTIBILITY TO. Identifiers: Orphanet 145, MedGen C2676676, MONDO:0011450, OMIM 604370. Disease mechanism: loss of function.

Submissions (5):

Evidence-based Network for the Interpretation of Germline Mutant Alleles (ENIGMA)
Classification: Pathogenic for Breast-ovarian cancer, familial, susceptibility to, 1. Last evaluated: 2016-09-08. Review status: reviewed by expert panel. Criteria: ENIGMA BRCA1/2 Classification Criteria (2015). Collection method: curation. Allele origin: germline.
Comment: Variant allele predicted to encode a truncated non-functional protein.

Ambry Genetics
Classification: Pathogenic for Hereditary cancer-predisposing syndrome. Last evaluated: 2022-06-08. Review status: criteria provided, single submitter. Criteria: Ambry Variant Classification Scheme 2023. Collection method: clinical testing. Allele origin: germline. Not counted in ClinVar's aggregate classification.
Comment: The c.5490delA variant, located in coding exon 22 of the BRCA1 gene, results from a deletion of one nucleotide at nucleotide position 5490, causing a translational frameshift with a predicted alternate stop codon (p.P1831Lfs*3). This variant is considered to be rare based on population cohorts in the Genome Aggregation Database (gnomAD). Other truncating alterations downstream have been observed in individuals with a personal and/or family history that is consistent with BRCA1-related disease (Ambry internal data). This alteration is expected to result in loss of function by premature protein truncation or nonsense-mediated mRNA decay. As such, this alteration is interpreted as a disease-causing mutation.

Labcorp Genetics (formerly Invitae), Labcorp
Classification: Pathogenic for Hereditary breast ovarian cancer syndrome. Last evaluated: 2021-02-15. Review status: criteria provided, single submitter. Criteria: Invitae Variant Classification Sherloc (09022015). Collection method: clinical testing. Allele origin: germline. Not counted in ClinVar's aggregate classification.
Comment: For these reasons, this variant has been classified as Pathogenic. This variant disrupts the C-terminus of the BRCA1 protein. Other variant(s) that disrupt this region (p.Tyr1853*) have been determined to be pathogenic (PMID: 7894493, 21922593, 10811118, 11739404, 12400015). This suggests that variants that disrupt this region of the protein are likely to be causative of disease. This frameshift has been observed in individuals with breast and/or ovarian cancer (PMID: 30257646, 29310832, 27062684,10502781). ClinVar contains an entry for this variant (Variation ID: 125861). This variant is not present in population databases (ExAC no frequency). This sequence change creates a premature translational stop signal (p.Pro1831Leufs*3) in the BRCA1 gene. While this is not anticipated to result in nonsense mediated decay, it is expected to disrupt the last 33 amino acid(s) of the BRCA1 protein.

Consortium of Investigators of Modifiers of BRCA1/2 (CIMBA), c/o University of Cambridge
Classification: Pathogenic for Breast-ovarian cancer, familial, susceptibility to, 1. Last evaluated: 2015-10-02. Review status: criteria provided, single submitter. Criteria: CIMBA Mutation Classification guidelines May 2016. Collection method: clinical testing. Allele origin: germline. Not counted in ClinVar's aggregate classification.

Breast Cancer Information Core (BIC) (BRCA1)
Classification: Pathogenic for Breast-ovarian cancer, familial 1. Last evaluated: 2002-05-29. Review status: no assertion criteria provided. Collection method: clinical testing. Allele origin: germline. Affected: yes. Observed: 1 variant allele. Not counted in ClinVar's aggregate classification.

Literature cited by the submitters: PubMed 7894493 (cited by Labcorp Genetics (formerly Invitae), Labcorp); PubMed 21922593 (cited by Labcorp Genetics (formerly Invitae), Labcorp); PubMed 10811118 (cited by Labcorp Genetics (formerly Invitae), Labcorp); PubMed 11739404 (cited by Labcorp Genetics (formerly Invitae), Labcorp); PubMed 12400015 (cited by Labcorp Genetics (formerly Invitae), Labcorp); PubMed 30257646 (cited by Labcorp Genetics (formerly Invitae), Labcorp); PubMed 29310832 (cited by Labcorp Genetics (formerly Invitae), Labcorp); PubMed 27062684 (cited by Labcorp Genetics (formerly Invitae), Labcorp); PubMed 10502781 (cited by Labcorp Genetics (formerly Invitae), Labcorp).